The following is an entry in ClinVar:

NM_001364857.2(ADGRB2):c.656C>T (p.Ala219Val)

Gene: ADGRB2 (adhesion G protein-coupled receptor B2; minus strand). Cytogenetic location: 1p35.2.
Variant type: single nucleotide variant.
Coding change: c.656C>T on transcript NM_001364857.2 (MANE Select); coding-DNA position 656, C replaced by T.
Protein change: p.Ala219Val; replaces alanine 219 with valine.
Molecular consequence: missense variant.
Genome position (GRCh38, 1-based): chr1:31,756,181, G>A on the plus strand (C>T on the coding strand, the complement: ADGRB2 is on the minus strand). VCF-style: chr1-31756181-G-A. GRCh37 (hg19) VCF-style: chr1-32221782-G-A.
Other names: c.656C>T, p.Ala219Val (NM_001294335.2, NM_001294336.2, NM_001703.2); short protein forms A219V.
Identifiers: ClinVar variation 2793167 (VCV002793167.3), dbSNP rs148429844, ClinGen allele CA736108.
Genomic context (GRCh38, chr1:31,756,181, plus strand): 5'-GGAGATGTGGTGGTGGTGGAGCCGGCCCCCGCCTCTCCAGGGCAGCTGCAGCCTGGCTGA[G>A]CAAAGCCGCAGGCCCTGCCGGCAGCGCGGCCACACTCCTCACTCCAGCGGCAGAGCACAC-3'
Protein context (NP_001351786.1, residues 209-229): GRAAGRACGF[Ala219Val]QPGCSCPGEA

ClinVar aggregate classification (germline): Uncertain significance (1 of 4 stars; one submission).

Allele frequency attached by ClinVar (database versions not stated): ExAC 0.00002; gnomAD exomes below 0.00001; TOPMed 0.00002; gnomAD 0.00001; ESP Exome Variant Server 0.00008.

Submission:

Labcorp Genetics (formerly Invitae), Labcorp
Classification: Uncertain significance. Last evaluated: 2025-10-08. Review status: criteria provided, single submitter. Criteria: Invitae Variant Classification Sherloc (09022015). Collection method: clinical testing. Allele origin: germline.
Comment: This sequence change replaces alanine, which is neutral and non-polar, with valine, which is neutral and non-polar, at codon 219 of the ADGRB2 protein (p.Ala219Val). This variant is present in population databases (rs148429844, gnomAD 0.003%). This variant has not been reported in the literature in individuals affected with ADGRB2-related conditions. ClinVar contains an entry for this variant (Variation ID: 2793167). An algorithm developed to predict the effect of missense changes on protein structure and function (PolyPhen-2) suggests that this variant is likely to be disruptive. In summary, the available evidence is currently insufficient to determine the role of this variant in disease. Therefore, it has been classified as a Variant of Uncertain Significance.